The following is an entry in ClinVar:

NM_017721.5(CC2D1A):c.2606G>A (p.Arg869Gln)

Gene: CC2D1A (coiled-coil and C2 domain containing 1A; plus strand). Cytogenetic location: 19p13.12.
Variant type: single nucleotide variant.
Coding change: c.2606G>A on transcript NM_017721.5 (MANE Select); coding-DNA position 2606, G replaced by A.
Protein change: p.Arg869Gln; replaces arginine 869 with glutamine.
Molecular consequence: missense variant.
Genome position (GRCh38, 1-based): chr19:13,929,556, G>A. VCF-style: chr19-13929556-G-A. GRCh37 (hg19) VCF-style: chr19-14040369-G-A.
Other names: c.2603G>A, p.Arg868Gln (NM_001411138.1); short protein forms R868Q, R869Q.
Identifiers: ClinVar variation 1793732 (VCV001793732.2), dbSNP rs201959405, ClinGen allele CA9245161.
Genomic context (GRCh38, chr19:13,929,556, plus strand): 5'-CCAGGCAGGATCCTCACAGGACCCTCTGTATCCTCTAGATCCTGGCCCTCAGGCAGGCGC[G>A]GCGGCCGGTGCCCCCAGAAGTGGCCCAGCAGTACCAGGACATCATGCAACGCAGCCAGTG-3'
Protein context (NP_060191.3, residues 859-879): ERKILALRQA[Arg869Gln]RPVPPEVAQQ

ClinVar aggregate classification (germline): Uncertain significance (1 of 4 stars; one submission).

Conditions:
Inborn genetic diseases. Identifiers: MedGen C0950123, MeSH D030342.

Allele frequency attached by ClinVar (database versions not stated): gnomAD 0.00001; gnomAD exomes 0.00003; TOPMed 0.00003; ExAC 0.00007; 1000 Genomes Project 30x 0.00016; 1000 Genomes Project 0.00020.
gnomAD v4.1: 44 of 1,610,808 alleles (0.0027%); highest among the groups gnomAD compares: South Asian, 0.02%; no homozygotes.

Submission:

Ambry Genetics
Classification: Uncertain significance for Inborn genetic diseases. Last evaluated: 2019-02-08. Review status: criteria provided, single submitter. Criteria: Ambry Variant Classification Scheme 2023. Collection method: clinical testing. Allele origin: germline.
Comment: The p.R869Q variant (also known as c.2606G>A), located in coding exon 26 of the CC2D1A gene, results from a G to A substitution at nucleotide position 2606. The arginine at codon 869 is replaced by glutamine, an amino acid with highly similar properties. This amino acid position is well conserved in available vertebrate species. In addition, this alteration is predicted to be tolerated by in silico analysis. Since supporting evidence is limited at this time, the clinical significance of this alteration remains unclear.